The following is an entry in ClinVar:

ClinVar aggregate classification (germline): Uncertain significance. Review status: criteria provided, multiple submitters, no conflicts (2 of 4 stars). 2 submissions from 2 submitters: Uncertain significance (2). Last evaluated 2024-11-27.

Conditions:
DYSF-related disorder. Also called: DYSF-related condition; DYSF-related disorders.

Submissions (2):

Athena Diagnostics
Classification: Uncertain significance. Last evaluated: 2024-11-27. Review status: criteria provided, single submitter. Criteria: Athena Diagnostics Criteria. Collection method: clinical testing. Allele origin: unknown.

PreventionGenetics, part of Exact Sciences
Classification: Uncertain significance for DYSF-related condition. Last evaluated: 2024-11-23. Review status: criteria provided, single submitter. Criteria: ACMG Guidelines, 2015. Collection method: clinical testing. Allele origin: germline.
Comment: The DYSF c.1945_1947delTAC variant is predicted to result in an in-frame deletion (p.Tyr649del). To our knowledge, this variant has not been reported in the literature or in a large population database (gnomAD), indicating this variant is rare. At this time, the clinical significance of this variant is uncertain due to the absence of conclusive functional and genetic evidence.

NM_001130987.2(DYSF):c.1993TAC[2] (p.Tyr667del)

Gene: DYSF (dysferlin; plus strand). Cytogenetic location: 2p13.2.
Variant type: Microsatellite.
Coding change: c.1993TAC[2] on transcript NM_001130987.2 (MANE Select); two copies in a row of the 3-base unit TAC starting at c.1993; the reference has three copies in a row; one copy, 3 bases deleted.
Protein change: p.Tyr667del; deletes tyrosine 667.
Genome position (GRCh38, 1-based): chr2:71,553,821-71,553,823, TAC deleted; deleting any 3 consecutive bases within chr2:71,553,813-71,553,823 gives the same sequence; the position shown is the placement nearest the transcript's 3' end. VCF-style (leftmost placement, unchanged base first): chr2-71553812-CACT-C. GRCh37 (hg19) VCF-style: chr2-71780942-CACT-C.
Other names: c.1945_1947delTAC (NM_003494.3); c.1939TAC[2], p.Tyr649del (NM_003494.4, NM_001130978.2); c.1990TAC[2], p.Tyr666del (NM_001130980.2, NM_001130981.2); c.2035TAC[2], p.Tyr681del (NM_001130982.2); c.1942TAC[2], p.Tyr650del (NM_001130983.2, NM_001130455.2); c.1900TAC[2], p.Tyr636del (NM_001130984.2, NM_001130986.2); c.1993TAC[2], p.Tyr667del (NM_001130985.2); c.1897TAC[2], p.Tyr635del (NM_001130976.2, NM_001130977.2); and 1 more; short protein forms Y636del, Y681del, Y649del, Y635del, Y650del, Y666del, Y667del, Y680del.
Identifiers: ClinVar variation 3571603 (VCV003571603.2).
Genomic context (GRCh38, chr2:71,553,812, plus strand): 5'-ATCCCACCCGCCCTCCACTCCTGGCACAGCGCTCAGGCCCGTCTCTCCATTCCAGGGTGC[CACT>C]ACTACTACCTACCCTGGGGTAACGTGAAACCTGTGGTGGTGCTGTCATCCTACTGGGAGG-3'